The following is an entry in ClinVar:

ClinVar aggregate classification (germline): Uncertain significance. Review status: criteria provided, multiple submitters, no conflicts (2 of 4 stars). 2 submissions from 2 submitters: Uncertain significance (2). Last evaluated 2025-09-27.

Conditions:
Primary ciliary dyskinesia. Also called: Ciliary dyskinesia. Identifiers: Orphanet 244, MedGen C0008780, MONDO:0016575, HP:0012265.

Allele frequency attached by ClinVar (database versions not stated): gnomAD 0.00001; gnomAD exomes 0.00001; ExAC 0.00007.
gnomAD v4.1: 11 of 1,602,158 alleles (0.00069%); highest among the groups gnomAD compares: Admixed American, 0.012%; no homozygotes.

Submissions (2):

Ambry Genetics
Classification: Uncertain significance for Primary ciliary dyskinesia. Last evaluated: 2025-09-27. Review status: criteria provided, single submitter. Criteria: Ambry Variant Classification Scheme 2023. Collection method: clinical testing. Allele origin: germline.
Comment: The p.P447L variant (also known as c.1340C>T), located in coding exon 8 of the DNAAF1 gene, results from a C to T substitution at nucleotide position 1340. The proline at codon 447 is replaced by leucine, an amino acid with similar properties. This amino acid position is conserved. In addition, this alteration is predicted to be tolerated by in silico analysis. Based on the available evidence, the clinical significance of this variant remains unclear.

Labcorp Genetics (formerly Invitae), Labcorp
Classification: Uncertain significance for Primary ciliary dyskinesia. Last evaluated: 2023-12-11. Review status: criteria provided, single submitter. Criteria: Invitae Variant Classification Sherloc (09022015). Collection method: clinical testing. Allele origin: germline.
Comment: This sequence change replaces proline, which is neutral and non-polar, with leucine, which is neutral and non-polar, at codon 447 of the DNAAF1 protein (p.Pro447Leu). This variant is present in population databases (rs755275918, gnomAD 0.02%). This variant has not been reported in the literature in individuals affected with DNAAF1-related conditions. ClinVar contains an entry for this variant (Variation ID: 2046434). Algorithms developed to predict the effect of missense changes on protein structure and function output the following: SIFT: "Not Available"; PolyPhen-2: "Benign"; Align-GVGD: "Not Available". The leucine amino acid residue is found in multiple mammalian species, which suggests that this missense change does not adversely affect protein function. In summary, the available evidence is currently insufficient to determine the role of this variant in disease. Therefore, it has been classified as a Variant of Uncertain Significance.

NM_178452.6(DNAAF1):c.1340C>T (p.Pro447Leu)

Gene: DNAAF1 (dynein axonemal assembly factor 1; plus strand). Cytogenetic location: 16q24.1.
Variant type: single nucleotide variant.
Coding change: c.1340C>T on transcript NM_178452.6 (MANE Select); coding-DNA position 1340, C replaced by T.
Protein change: p.Pro447Leu; replaces proline 447 with leucine.
Molecular consequence: missense variant.
Genome position (GRCh38, 1-based): chr16:84,170,168, C>T. VCF-style: chr16-84170168-C-T. GRCh37 (hg19) VCF-style: chr16-84203774-C-T.
Other names: c.1340C>T (NM_178452.4); c.632C>T, p.Pro211Leu (NM_001318756.1); short protein forms P211L, P447L.
Identifiers: ClinVar variation 2046434 (VCV002046434.2), dbSNP rs755275918, ClinGen allele CA8202831.